The following is an entry in ClinVar:

ClinVar aggregate classification (germline): Benign. Review status: criteria provided, multiple submitters, no conflicts (2 of 4 stars). 4 submissions from 4 submitters: Benign (4). Last evaluated 2024-07-15.

Conditions:
Developmental and epileptic encephalopathy, 77. Also called: GLYCOSYLPHOSPHATIDYLINOSITOL BIOSYNTHESIS DEFECT 19; MULTIPLE CONGENITAL ANOMALIES-HYPOTONIA-SEIZURES SYNDROME 4; EPILEPTIC ENCEPHALOPATHY, EARLY INFANTILE, 77. Identifiers: MedGen C5231405, MONDO:0032808, OMIM 618548.

Allele frequency attached by ClinVar (database versions not stated): TOPMed 0.37090; gnomAD 0.37630 and 0.38872; 1000 Genomes Project 0.44928; gnomAD exomes 0.45978; ExAC 0.48621.
gnomAD v4.1: 333,570 of 807,324 alleles (41%); highest among the groups gnomAD compares: East Asian, 67%; 75,239 homozygotes.

Submissions (4):

Unidad de Genómica Garrahan, Hospital de Pediatría Garrahan
Classification: Benign. Last evaluated: 2024-07-15. Review status: criteria provided, single submitter. Criteria: ACMG Guidelines, 2015. Collection method: clinical testing. Allele origin: germline. Affected: no. Observed: 40 variant alleles.
Comment: This variant is classified as Benign based on local population frequency. This variant was detected in 43% of patients studied in a panel designed for Epileptic and Developmental Encephalopathy and Progressive Myoclonus Epilepsy. Number of patients: 40. Only high quality variants are reported.

Genome-Nilou Lab
Classification: Benign for Developmental and epileptic encephalopathy, 77. Last evaluated: 2021-07-14. Review status: criteria provided, single submitter. Criteria: ACMG Guidelines, 2015. Collection method: clinical testing. Allele origin: germline. Affected: no.

GeneDx
Classification: Benign. Last evaluated: 2021-05-14. Review status: criteria provided, single submitter. Criteria: GeneDx Variant Classification Process June 2021. Collection method: clinical testing. Allele origin: germline. Affected: yes.

Breakthrough Genomics
Classification: Benign. Review status: criteria provided, single submitter. Criteria: ACMG Guidelines, 2015. Collection method: not provided. Allele origin: germline. Inheritance: Autosomal recessive inheritance. Affected: yes.

NM_004204.5(PIGQ):c.1532-110C>T

Gene: PIGQ (phosphatidylinositol glycan anchor biosynthesis class Q; plus strand). Cytogenetic location: 16p13.3.
Variant type: single nucleotide variant.
Coding change: c.1532-110C>T on transcript NM_004204.5 (MANE Select); 110 bases into the intron before coding-DNA position 1532, C replaced by T.
Molecular consequence: intron variant.
Genome position (GRCh38, 1-based): chr16:582,138, C>T. VCF-style: chr16-582138-C-T. GRCh37 (hg19) VCF-style: chr16-632138-C-T.
Other names: c.1532-745C>T (NM_148920.4).
Identifiers: ClinVar variation 1185518 (VCV001185518.6), dbSNP rs4262946, ClinGen allele CA7780375.